The following is an entry in ClinVar:

ClinVar aggregate classification (germline): Uncertain significance (1 of 4 stars; one submission).

gnomAD v4.1: 16 of 1,613,728 alleles (0.00099%); highest among the groups gnomAD compares: African/African-American, 0.0013%; no homozygotes.

Submission:

Women's Health and Genetics/Laboratory Corporation of America, LabCorp
Classification: Uncertain significance. Last evaluated: 2025-01-14. Review status: criteria provided, single submitter. Criteria: LabCorp Variant Classification Summary - May 2015. Collection method: clinical testing. Allele origin: germline.
Comment: Variant summary: COL12A1 c.8582G>C (p.Ser2861Thr) results in a conservative amino acid change located in the Collagen triple helix repeat (20 copies) domain (IPR008160) of the encoded protein sequence. Four of four in-silico tools predict a benign effect of the variant on protein function. The variant allele was found at a frequency of 4e-06 in 248948 control chromosomes. The available data on variant occurrences in the general population are insufficient to allow any conclusion about variant significance. To our knowledge, no occurrence of c.8582G>C in individuals affected with Ullrich congenital muscular dystrophy 2 and no experimental evidence demonstrating its impact on protein function have been reported. No submitters have cited clinical-significance assessments for this variant to ClinVar. Based on the evidence outlined above, the variant was classified as uncertain significance.

NM_004370.6(COL12A1):c.8582G>C (p.Ser2861Thr)

Gene: COL12A1 (collagen type XII alpha 1 chain; minus strand). Cytogenetic location: 6q13.
Variant type: single nucleotide variant.
Coding change: c.8582G>C on transcript NM_004370.6 (MANE Select); coding-DNA position 8582, G replaced by C.
Protein change: p.Ser2861Thr; replaces serine 2861 with threonine.
Molecular consequence: missense variant.
Genome position (GRCh38, 1-based): chr6:75,095,175, C>G on the plus strand (G>C on the coding strand, the complement: COL12A1 is on the minus strand). VCF-style: chr6-75095175-C-G. GRCh37 (hg19) VCF-style: chr6-75804891-C-G.
Other names: c.8582G>C, p.Ser2861Thr (NM_001424113.1); c.8561G>C, p.Ser2854Thr (NM_001424114.1); c.8309G>C, p.Ser2770Thr (NM_001424115.1); c.5090G>C, p.Ser1697Thr (NM_001424116.1, NM_080645.3); short protein forms S1697T, S2770T, S2854T, S2861T.
Identifiers: ClinVar variation 3769106 (VCV003769106.2).
Genomic context (GRCh38, chr6:75,095,175, plus strand): 5'-CCATGATCTCCAGGTTTTCCTGGCTTCCCACTTGGTCCTGTGACTCCTGGGGAGCCTGGG[C>G]TTCCCTACAACACATGGAAAGGGAAGGGGACTGTTATGACAAAGGGAAAATCCCATCTAA-3'
Protein context (NP_004361.3, residues 2851-2871): GPRGPPGPPG[Ser2861Thr]PGSPGVTGPS